The following is an entry in ClinVar:

NM_031407.7(HUWE1):c.9166A>G (p.Met3056Val)

Gene: HUWE1 (HECT, UBA and WWE domain containing E3 ubiquitin protein ligase 1; minus strand). Cytogenetic location: Xp11.22.
Variant type: single nucleotide variant.
Coding change: c.9166A>G on transcript NM_031407.7 (MANE Select); coding-DNA position 9166, A replaced by G.
Protein change: p.Met3056Val; replaces methionine 3056 with valine.
Molecular consequence: missense variant.
Genome position (GRCh38, 1-based): chrX:53,551,120, T>C on the plus strand (A>G on the coding strand, the complement: HUWE1 is on the minus strand). VCF-style: chrX-53551120-T-C. GRCh37 (hg19) VCF-style: chrX-53578081-T-C.
Other names: c.9163A>G, p.Met3055Val (NM_001441048.1, NM_001441051.1, NM_001441053.1 and 2 more transcripts); c.9166A>G, p.Met3056Val (NM_001441049.1, NM_001441054.1, NM_001441057.1); c.9187A>G, p.Met3063Val (NM_001441050.1, NM_001441055.1); c.8764A>G, p.Met2922Val (NM_001441052.1); short protein forms M2922V, M3055V, M3056V, M3063V.
Identifiers: ClinVar variation 4686440 (VCV004686440.1).

ClinVar aggregate classification (germline): Uncertain significance (1 of 4 stars; one submission).

gnomAD v4.1: 3 of 1,211,672 alleles (0.00025%); highest among the groups gnomAD compares: East Asian, 0.003%; no homozygotes.

Submission:

GeneDx
Classification: Uncertain significance. Last evaluated: 2025-07-15. Review status: criteria provided, single submitter. Criteria: GeneDx Variant Classification Process June 2021. Collection method: clinical testing. Allele origin: germline. Affected: yes.
Comment: Not observed at significant frequency in large population cohorts (gnomAD); In silico analysis suggests that this missense variant does not alter protein structure/function; Has not been previously published as pathogenic or benign to our knowledge